The following is an entry in ClinVar:

NM_000455.5(STK11):c.690del (p.Phe231fs)

Gene: STK11 (serine/threonine kinase 11; plus strand). Cytogenetic location: 19p13.3.
Variant type: Deletion.
Coding change: c.690del on transcript NM_000455.5 (MANE Select); coding-DNA position 690, one base deleted (C; older notation c.690delC).
Protein change: p.Phe231fs; shifts the reading frame from phenylalanine 231.
Molecular consequence: frameshift variant. On other transcripts: non-coding transcript variant (1).
Genome position (GRCh38, 1-based): chr19:1,220,673, C deleted; the last of 2 consecutive C bases (chr19:1,220,672-1,220,673); deleting either gives the same sequence. VCF-style (leftmost placement, unchanged base first): chr19-1220671-AC-A. GRCh37 (hg19) VCF-style: chr19-1220670-AC-A.
Other names: c.690delC, p.Phe231Serfs (NM_000455.4); c.690del, p.Phe231fs (NM_001407255.1); short protein forms F231fs.
Identifiers: ClinVar variation 4532948 (VCV004532948.1).

ClinVar aggregate classification (germline): Likely pathogenic (1 of 4 stars; one submission).

Submission:

Quest Diagnostics Nichols Institute San Juan Capistrano
Classification: Likely pathogenic. Last evaluated: 2025-08-13. Review status: criteria provided, single submitter. Criteria: Quest Diagnostics criteria. Collection method: clinical testing. Allele origin: unknown.
Comment: The STK11 c.690del (p.Phe231Serfs*56) variant alters the translational reading frame of the STK11 mRNA and is predicted to cause the premature termination of STK11 protein synthesis. This variant has not been reported in individuals with STK11-related conditions in the published literature. This variant has not been reported in large, multi-ethnic general populations (Genome Aggregation Database). Based on the available information, this variant is classified as likely pathogenic.